The following is an entry in ClinVar:

ClinVar aggregate classification (germline): Uncertain significance (1 of 4 stars; one submission).

Conditions:
Amyotrophic lateral sclerosis type 4 (ALS4). Also called: NEURONOPATHY, DISTAL HEREDITARY MOTOR, WITH PYRAMIDAL FEATURES; AMYOTROPHIC LATERAL SCLEROSIS 4, JUVENILE. Identifiers: Orphanet 357043, MedGen C1865409, MONDO:0011223, OMIM 602433.
Spinocerebellar ataxia, autosomal recessive, with axonal neuropathy 2 (SCAN2). Also called: ATAXIA-OCULOMOTOR APRAXIA 2; Ataxia-ocular apraxia-2; Ataxia with Oculomotor Apraxia; Ataxia with Oculomotor Apraxia Type 2. Identifiers: Orphanet 64753, MedGen C1853761, MONDO:0018996, OMIM 606002.

Allele frequency attached by ClinVar (database versions not stated): gnomAD exomes below 0.00001.
gnomAD v4.1: 4 of 1,614,172 alleles (0.00025%); highest among the groups gnomAD compares: Non-Finnish European, 0.00025%; no homozygotes.

Submission:

Labcorp Genetics (formerly Invitae), Labcorp
Classification: Uncertain significance for Amyotrophic lateral sclerosis type 4; Spinocerebellar ataxia, autosomal recessive, with axonal neuropathy 2. Last evaluated: 2021-06-14. Review status: criteria provided, single submitter. Criteria: Invitae Variant Classification Sherloc (09022015). Collection method: clinical testing. Allele origin: germline.
Comment: This variant is not present in population databases (ExAC no frequency). This variant has not been reported in the literature in individuals with SETX-related conditions. Algorithms developed to predict the effect of missense changes on protein structure and function are either unavailable or do not agree on the potential impact of this missense change (SIFT: "Tolerated"; PolyPhen-2: "Probably Damaging"; Align-GVGD: "Class C0"). In summary, the available evidence is currently insufficient to determine the role of this variant in disease. Therefore, it has been classified as a Variant of Uncertain Significance. This sequence change replaces proline with serine at codon 1585 of the SETX protein (p.Pro1585Ser). The proline residue is moderately conserved and there is a moderate physicochemical difference between proline and serine.

NM_015046.7(SETX):c.4753C>T (p.Pro1585Ser)

Gene: SETX (senataxin; minus strand). Cytogenetic location: 9q34.13.
Variant type: single nucleotide variant.
Coding change: c.4753C>T on transcript NM_015046.7 (MANE Select); coding-DNA position 4753, C replaced by T.
Protein change: p.Pro1585Ser; replaces proline 1585 with serine.
Molecular consequence: missense variant.
Genome position (GRCh38, 1-based): chr9:132,326,845, G>A on the plus strand (C>T on the coding strand, the complement: SETX is on the minus strand). VCF-style: chr9-132326845-G-A. GRCh37 (hg19) VCF-style: chr9-135202232-G-A.
Other names: c.4753C>T, p.Pro1585Ser (NM_001351527.2, NM_001351528.2); short protein forms P1585S.
Identifiers: ClinVar variation 943380 (VCV000943380.10), dbSNP rs1846817047, ClinGen allele CA375324520.